The following is an entry in ClinVar:

NM_005391.5(PDK3):c.249-11_249-9del

Gene: PDK3 (pyruvate dehydrogenase kinase 3; plus strand). Cytogenetic location: Xp22.11.
Variant type: Deletion.
Coding change: c.249-11_249-9del on transcript NM_005391.5 (MANE Select); 11 bases into the intron before coding-DNA position 249 through 9 bases into the intron before coding-DNA position 249, 3 bases deleted (TTT; older notation c.249-11_249-9delTTT).
Molecular consequence: intron variant.
Genome position (GRCh38, 1-based): chrX:24,498,818-24,498,820, TTT deleted; deleting any 3 consecutive bases within chrX:24,498,809-24,498,820 gives the same sequence; the c. name uses the placement nearest the transcript's 3' end. VCF-style (leftmost placement, unchanged base first): chrX-24498808-CTTT-C. GRCh37 (hg19) VCF-style: chrX-24516925-CTTT-C.
Other names: c.249-11_249-9del (NM_001142386.3).
Identifiers: ClinVar variation 3041026 (VCV003041026.2), dbSNP rs374771377, ClinGen allele CA10372256.
Genomic context (GRCh38, chrX:24,498,808, plus strand): 5'-GGAAGAGGGAGAGGAGGGGTGGATGCTGGGCAGGCAACTAACATAGTAACTCTTCTTTTT[CTTT>C]TTTTTTTTTCCTTTTAGGTATATGCAGAGTTTTCTTGAACTTTTAGAATATGAAAATAAG-3'

ClinVar aggregate classification (germline): Likely benign (0 of 4 stars; one submission).

Conditions:
PDK3-related disorder. Also called: PDK3-related condition.

Submission:

PreventionGenetics, part of Exact Sciences
Classification: Likely benign for PDK3-related condition. Last evaluated: 2019-09-17. Review status: no assertion criteria provided. Collection method: clinical testing. Allele origin: germline.
Comment: This variant is classified as likely benign based on ACMG/AMP sequence variant interpretation guidelines (Richards et al. 2015 PMID: 25741868, with internal and published modifications).